The following is an entry in ClinVar:

NM_001103.4(ACTN2):c.1162T>G (p.Trp388Gly)

Gene: ACTN2 (actinin alpha 2; plus strand). Cytogenetic location: 1q43.
Variant type: single nucleotide variant.
Coding change: c.1162T>G on transcript NM_001103.4 (MANE Select); coding-DNA position 1162, T replaced by G.
Protein change: p.Trp388Gly; replaces tryptophan 388 with glycine.
Molecular consequence: missense variant.
Genome position (GRCh38, 1-based): chr1:236,742,950, T>G. VCF-style: chr1-236742950-T-G. GRCh37 (hg19) VCF-style: chr1-236906250-T-G.
Other names: c.1162T>G, p.Trp388Gly (NM_001278343.2); c.538T>G, p.Trp180Gly (NM_001278344.2); short protein forms W180G, W388G.
Identifiers: ClinVar variation 1499698 (VCV001499698.7), dbSNP rs376144003, ClinGen allele CA345382186.

ClinVar aggregate classification (germline): Uncertain significance. Review status: criteria provided, multiple submitters, no conflicts (2 of 4 stars). 4 submissions from 4 submitters: Uncertain significance (4). Last evaluated 2023-08-28.

Conditions:
Cardiovascular phenotype. Identifiers: MedGen CN230736.
Dilated cardiomyopathy 1AA (CMD1AA). Also called: CARDIOMYOPATHY, DILATED, 1AA, WITH OR WITHOUT LEFT VENTRICULAR NONCOMPACTION; CARDIOMYOPATHY, FAMILIAL HYPERTROPHIC, 23, WITH OR WITHOUT LEFT VENTRICULAR NONCOMPACTION; Cardiomyopathy, dilated, 1AA, with or without LVNC. Identifiers: Orphanet 154, MedGen C2677338, MONDO:0012808, OMIM 612158.
Primary familial hypertrophic cardiomyopathy (HCM). Identifiers: Orphanet 99739, MedGen C0949658, MeSH D024741, MONDO:0024573. Inheritance: Various modes of inheritance.

gnomAD v4.1: 2 of 1,613,164 alleles (0.00012%); highest among the groups gnomAD compares: African/African-American, 0.0027%; no homozygotes.

Submissions (4):

Blueprint Genetics
Classification: Uncertain significance. Last evaluated: 2023-08-28. Review status: criteria provided, single submitter. Criteria: ACMG Guidelines, 2015. Collection method: clinical testing. Allele origin: germline.

Labcorp Genetics (formerly Invitae), Labcorp
Classification: Uncertain significance for Primary familial hypertrophic cardiomyopathy; Dilated cardiomyopathy 1AA. Last evaluated: 2022-09-14. Review status: criteria provided, single submitter. Criteria: Invitae Variant Classification Sherloc (09022015). Collection method: clinical testing. Allele origin: germline.
Comment: This sequence change replaces tryptophan, which is neutral and slightly polar, with glycine, which is neutral and non-polar, at codon 388 of the ACTN2 protein (p.Trp388Gly). This variant is not present in population databases (gnomAD no frequency). This variant has not been reported in the literature in individuals affected with ACTN2-related conditions. ClinVar contains an entry for this variant (Variation ID: 1499698). Advanced modeling of protein sequence and biophysical properties (such as structural, functional, and spatial information, amino acid conservation, physicochemical variation, residue mobility, and thermodynamic stability) performed at Invitae indicates that this missense variant is expected to disrupt ACTN2 protein function. In summary, the available evidence is currently insufficient to determine the role of this variant in disease. Therefore, it has been classified as a Variant of Uncertain Significance.

AiLife Diagnostics
Classification: Uncertain significance. Last evaluated: 2022-02-17. Review status: criteria provided, single submitter. Criteria: ACMG Guidelines, 2015. Collection method: clinical testing. Allele origin: germline. Affected: yes. Observed: 1 variant allele.

Ambry Genetics
Classification: Uncertain significance for Cardiovascular phenotype. Last evaluated: 2019-08-24. Review status: criteria provided, single submitter. Criteria: Ambry Variant Classification Scheme 2023. Collection method: clinical testing. Allele origin: germline.
Comment: The p.W388G variant (also known as c.1162T>G), located in coding exon 11 of the ACTN2 gene, results from a T to G substitution at nucleotide position 1162. The tryptophan at codon 388 is replaced by glycine, an amino acid with highly dissimilar properties. This amino acid position is highly conserved in available vertebrate species. In addition, this alteration is predicted to be deleterious by in silico analysis. Since supporting evidence is limited at this time, the clinical significance of this alteration remains unclear.